The following is an entry in ClinVar:

ClinVar aggregate classification (germline): Uncertain significance (1 of 4 stars; one submission).

Conditions:
Hereditary cancer-predisposing syndrome. Also called: Tumor predisposition; Neoplastic Syndromes, Hereditary; Hereditary neoplastic syndrome; Hereditary Cancer Syndrome. Identifiers: Orphanet 140162, MedGen C0027672, MeSH D009386, MONDO:0015356.

Submission:

Color Diagnostics, LLC DBA Color Health
Classification: Uncertain significance for Hereditary cancer-predisposing syndrome. Last evaluated: 2023-12-05. Review status: criteria provided, single submitter. Criteria: ACMG Guidelines, 2015. Collection method: clinical testing. Allele origin: germline.
Comment: This missense variant replaces proline with alanine at codon 1639 of the ATM protein. Computational prediction suggests that this variant may not impact protein structure and function (internally defined REVEL score threshold <= 0.5, PMID: 27666373). To our knowledge, functional studies have not been reported for this variant. This variant has not been reported in individuals affected with ATM-related disorders in the literature. This variant has not been identified in the general population by the Genome Aggregation Database (gnomAD). The available evidence is insufficient to determine the role of this variant in disease conclusively. Therefore, this variant is classified as a Variant of Uncertain Significance.

NM_000051.4(ATM):c.4915C>G (p.Pro1639Ala)

Gene: ATM (ATM serine/threonine kinase; plus strand). Cytogenetic location: 11q22.3.
Variant type: single nucleotide variant.
Coding change: c.4915C>G on transcript NM_000051.4 (MANE Select); coding-DNA position 4915, C replaced by G.
Protein change: p.Pro1639Ala; replaces proline 1639 with alanine.
Molecular consequence: missense variant.
Genome position (GRCh38, 1-based): chr11:108,297,292, C>G. VCF-style: chr11-108297292-C-G. GRCh37 (hg19) VCF-style: chr11-108168019-C-G.
Other names: c.4915C>G, p.Pro1639Ala (NM_001351834.2); short protein forms P1639A.
Identifiers: ClinVar variation 631157 (VCV000631157.5), dbSNP rs1565469722, ClinGen allele CA382538000.